The following is an entry in ClinVar:

ClinVar aggregate classification (germline): Uncertain significance (1 of 4 stars; one submission).

Conditions:
Charcot-Marie-Tooth disease type 2E (CMT2E). Also called: CHARCOT-MARIE-TOOTH DISEASE, AXONAL, TYPE 2E; CHARCOT-MARIE-TOOTH NEUROPATHY, TYPE 2E. Identifiers: Orphanet 99939, MedGen C1843225, MONDO:0011894, OMIM 607684.

Allele frequency attached by ClinVar (database versions not stated): TOPMed 0.00001.

Submission:

Labcorp Genetics (formerly Invitae), Labcorp
Classification: Uncertain significance for Charcot-Marie-Tooth disease type 2E. Last evaluated: 2023-11-17. Review status: criteria provided, single submitter. Criteria: Invitae Variant Classification Sherloc (09022015). Collection method: clinical testing. Allele origin: germline.
Comment: This sequence change replaces arginine, which is basic and polar, with cysteine, which is neutral and slightly polar, at codon 309 of the NEFL protein (p.Arg309Cys). This variant is not present in population databases (gnomAD no frequency). This variant has not been reported in the literature in individuals affected with NEFL-related conditions. ClinVar contains an entry for this variant (Variation ID: 1497186). Advanced modeling of protein sequence and biophysical properties (such as structural, functional, and spatial information, amino acid conservation, physicochemical variation, residue mobility, and thermodynamic stability) performed at Invitae indicates that this missense variant is expected to disrupt NEFL protein function with a positive predictive value of 80%. In summary, the available evidence is currently insufficient to determine the role of this variant in disease. Therefore, it has been classified as a Variant of Uncertain Significance.

NM_006158.5(NEFL):c.925C>T (p.Arg309Cys)

Gene: NEFL (neurofilament light chain; minus strand). Cytogenetic location: 8p21.2.
Variant type: single nucleotide variant.
Coding change: c.925C>T on transcript NM_006158.5 (MANE Select); coding-DNA position 925, C replaced by T.
Protein change: p.Arg309Cys; replaces arginine 309 with cysteine.
Molecular consequence: missense variant.
Genome position (GRCh38, 1-based): chr8:24,955,591, G>A on the plus strand (C>T on the coding strand, the complement: NEFL is on the minus strand). VCF-style: chr8-24955591-G-A. GRCh37 (hg19) VCF-style: chr8-24813105-G-A.
Other names: short protein forms R309C.
Identifiers: ClinVar variation 1497186 (VCV001497186.6), dbSNP rs1803035476, ClinGen allele CA370621319.
Genomic context (GRCh38, chr8:24,955,591, plus strand): 5'-GCGCTTCATTCATGCCCCGGCATGCTTCGATTTCCAGGGTCTTGGCCTTGAGCAGACGAC[G>A]GCTCTCGGACACCTCGTCCTTGGCGGCGCGCACGGCGTCGGTGTTCTTGGCGGCGCTCTC-3'
Protein context (NP_006149.2, residues 299-319): RAAKDEVSES[Arg309Cys]RLLKAKTLEI